The following is an entry in ClinVar:

ClinVar aggregate classification (germline): Conflicting classifications of pathogenicity. Review status: criteria provided, conflicting classifications (1 of 4 stars). 3 submissions from 3 submitters: Uncertain significance (2); Likely benign (1). Last evaluated 2026-01-19.

Conditions:
Infantile myofibromatosis (IMF). Also called: Congenital generalized fibromatosis. Identifiers: Orphanet 2591, MedGen C0432284, MONDO:0016824.
Skeletal overgrowth-craniofacial dysmorphism-hyperelastic skin-white matter lesions syndrome. Also called: SKELETAL OVERGROWTH WITH FACIAL DYSMORPHISM, HYPERELASTIC SKIN, WHITE MATTER LESIONS, AND NEUROLOGIC DETERIORATION; Kosaki overgrowth syndrome. Identifiers: Orphanet 477831, MedGen C4225270, MONDO:0014704, OMIM 616592.
Basal ganglia calcification, idiopathic, 4 (PFBC4). Also called: Familial Idiopathic Basal Ganglia Calcification 4; PRIMARY FAMILIAL BRAIN CALCIFICATION 4, AUTOSOMAL DOMINANT. Identifiers: Orphanet 1980, MedGen C3554321, MONDO:0014004, OMIM 615007.
Acroosteolysis-keloid-like lesions-premature aging syndrome. Also called: Premature aging syndrome, Penttinen type; Prematurely aged appearance, delayed bone maturation, acro-osteolysis, and brachydactyly; Progeroid syndrome, Penttinen type. Identifiers: Orphanet 363665, MedGen C1866182, MONDO:0011150, OMIM 601812.
Inborn genetic diseases. Identifiers: MedGen C0950123, MeSH D030342.
PDGFRB-related disorder. Also called: PDGFRB-related condition.

Allele frequency attached by ClinVar (database versions not stated): gnomAD 0.00001; TOPMed 0.00001; gnomAD exomes 0.00003; ExAC 0.00004.
gnomAD v4.1: 45 of 1,614,022 alleles (0.0028%); highest among the groups gnomAD compares: Admixed American, 0.0033%; no homozygotes.

Submissions (3):

Labcorp Genetics (formerly Invitae), Labcorp
Classification: Likely benign for Basal ganglia calcification, idiopathic, 4; Skeletal overgrowth-craniofacial dysmorphism-hyperelastic skin-white matter lesions syndrome; Infantile myofibromatosis; Acroosteolysis-keloid-like lesions-premature aging syndrome. Last evaluated: 2026-01-19. Review status: criteria provided, single submitter. Criteria: Invitae Variant Classification Sherloc (09022015). Collection method: clinical testing. Allele origin: germline.

Ambry Genetics
Classification: Uncertain significance for Inborn genetic diseases. Last evaluated: 2023-12-18. Review status: criteria provided, single submitter. Criteria: Ambry Variant Classification Scheme 2023. Collection method: clinical testing. Allele origin: germline.

PreventionGenetics, part of Exact Sciences
Classification: Uncertain significance for PDGFRB-related condition. Last evaluated: 2023-05-10. Review status: criteria provided, single submitter. Criteria: ACMG Guidelines, 2015. Collection method: clinical testing. Allele origin: germline.
Comment: The PDGFRB c.1487G>A variant is predicted to result in the amino acid substitution p.Arg496His. To our knowledge, this variant has not been reported in the literature. This variant is reported in 0.0056% of alleles in individuals of Latino descent in gnomAD. At this time, the clinical significance of this variant is uncertain due to the absence of conclusive functional and genetic evidence.

NM_002609.4(PDGFRB):c.1487G>A (p.Arg496His)

Gene: PDGFRB (platelet derived growth factor receptor beta; minus strand). Cytogenetic location: 5q32.
Variant type: single nucleotide variant.
Coding change: c.1487G>A on transcript NM_002609.4 (MANE Select); coding-DNA position 1487, G replaced by A.
Protein change: p.Arg496His; replaces arginine 496 with histidine.
Molecular consequence: missense variant.
Genome position (GRCh38, 1-based): chr5:150,129,849, C>T on the plus strand (G>A on the coding strand, the complement: PDGFRB is on the minus strand). VCF-style: chr5-150129849-C-T. GRCh37 (hg19) VCF-style: chr5-149509412-C-T.
Other names: c.1487G>A (NM_002609.3); c.1295G>A, p.Arg432His (NM_001355016.2); c.1004G>A, p.Arg335His (NM_001355017.2); short protein forms R432H, R496H, R335H.
Identifiers: ClinVar variation 2151826 (VCV002151826.6), dbSNP rs773284031, ClinGen allele CA3507967.